The following is an entry in ClinVar:

NM_015378.4(VPS13D):c.6968A>C (p.Glu2323Ala)

Gene: VPS13D (vacuolar protein sorting 13 homolog D; plus strand). Cytogenetic location: 1p36.22.
Variant type: single nucleotide variant.
Coding change: c.6968A>C on transcript NM_015378.4 (MANE Select); coding-DNA position 6968, A replaced by C.
Protein change: p.Glu2323Ala; replaces glutamic acid 2323 with alanine.
Molecular consequence: missense variant.
Genome position (GRCh38, 1-based): chr1:12,314,147, A>C. VCF-style: chr1-12314147-A-C. GRCh37 (hg19) VCF-style: chr1-12374204-A-C.
Other names: c.6968A>C, p.Glu2323Ala (NM_018156.4); short protein forms E2323A.
Identifiers: ClinVar variation 3188816 (VCV003188816.2), dbSNP rs779911165, ClinGen allele CA338492871.

ClinVar aggregate classification (germline): Uncertain significance. Review status: criteria provided, multiple submitters, no conflicts (2 of 4 stars). 2 submissions from 2 submitters: Uncertain significance (2). Last evaluated 2025-12-24.

Conditions:
Inborn genetic diseases. Identifiers: MedGen C0950123, MeSH D030342.

gnomAD v4.1: 14 of 1,614,040 alleles (0.00087%); highest among the groups gnomAD compares: Non-Finnish European, 0.0012%; no homozygotes.

Submissions (2):

Labcorp Genetics (formerly Invitae), Labcorp
Classification: Uncertain significance. Last evaluated: 2025-12-24. Review status: criteria provided, single submitter. Criteria: Invitae Variant Classification Sherloc (09022015). Collection method: clinical testing. Allele origin: germline.
Comment: This sequence change replaces glutamic acid, which is acidic and polar, with alanine, which is neutral and non-polar, at codon 2323 of the VPS13D protein (p.Glu2323Ala). This variant is present in population databases (no rsID available, gnomAD 0.0009%). This variant has not been reported in the literature in individuals affected with VPS13D-related conditions. ClinVar contains an entry for this variant (Variation ID: 3188816). Invitae Evidence Modeling of protein sequence and biophysical properties (such as structural, functional, and spatial information, amino acid conservation, physicochemical variation, residue mobility, and thermodynamic stability) indicates that this missense variant is expected to disrupt VPS13D protein function with a positive predictive value of 80%. In summary, the available evidence is currently insufficient to determine the role of this variant in disease. Therefore, it has been classified as a Variant of Uncertain Significance.

Ambry Genetics
Classification: Uncertain significance for Inborn genetic diseases. Last evaluated: 2024-01-03. Review status: criteria provided, single submitter. Criteria: Ambry Variant Classification Scheme 2023. Collection method: clinical testing. Allele origin: germline.